The following is an entry in ClinVar:

ClinVar aggregate classification (germline): Likely pathogenic. Review status: criteria provided, multiple submitters, no conflicts (2 of 4 stars). 2 submissions from 2 submitters: Likely pathogenic (2). Last evaluated 2024-03-21.

Conditions:
Isolated growth hormone deficiency, type 4. Also called: ISOLATED GROWTH HORMONE DEFICIENCY, TYPE IV; DWARFISM OF SINDH. Identifiers: Orphanet 684247, MedGen C4722273, MONDO:0032567, OMIM 618157.

Submissions (2):

Fulgent Genetics
Classification: Likely pathogenic for Isolated growth hormone deficiency, type 4. Last evaluated: 2024-03-21. Review status: criteria provided, single submitter. Criteria: ACMG Guidelines, 2015. Collection method: clinical testing. Allele origin: germline.

Juno Genomics, Hangzhou Juno Genomics, Inc
Classification: Likely pathogenic for Isolated growth hormone deficiency, type 4. Review status: criteria provided, single submitter. Criteria: ACMG Guidelines, 2015. Collection method: clinical testing. Allele origin: germline.
Comment: Absent from controls (or at extremely low frequency if recessive) in Genome Aggregation Database.;Null variant in a gene where loss of function (LOF) is a known mechanism of disease.;For recessive disorders, detected in trans with a pathogenic variant.

NM_000823.4(GHRHR):c.1120_1123del (p.Ile374fs)

Gene: GHRHR (growth hormone releasing hormone receptor; plus strand). Cytogenetic location: 7p14.3.
Variant type: Deletion.
Coding change: c.1120_1123del on transcript NM_000823.4 (MANE Select); coding-DNA positions 1120 to 1123, 4 bases deleted (ATCC; older notation c.1120_1123delATCC).
Protein change: p.Ile374fs; shifts the reading frame from isoleucine 374.
Molecular consequence: frameshift variant.
Genome position (GRCh38, 1-based): chr7:30,977,296-30,977,299, ATCC deleted; deleting any 4 consecutive bases within chr7:30,977,294-30,977,299 gives the same sequence; the c. name uses the placement nearest the transcript's 3' end. VCF-style (leftmost placement, unchanged base first): chr7-30977293-GCCAT-G. GRCh37 (hg19) VCF-style: chr7-31016908-GCCAT-G.
Other names: short protein forms I374fs.
Identifiers: ClinVar variation 3594529 (VCV003594529.3).
Genomic context (GRCh38, chr7:30,977,293, plus strand): 5'-GGCCAGGCCAAAGGGTTCTGATGGGGTCTTTCTTCTTTGGACCCACAGGGCTTCATTGTT[GCCAT>G]CCTCTACTGCTTCCTCAACCAAGAGGTGTGTGATTTTTGAGGCTATCCCTCATGGAGTCC-3'